The following is an entry in ClinVar:

NM_003482.4(KMT2D):c.3584C>G (p.Thr1195Arg)

Genes: KMT2D (lysine methyltransferase 2D; minus strand), LOC126861520 (CDK7 strongly-dependent group 2 enhancer GRCh37_chr12:49442744-49443943; plus strand). Cytogenetic location: 12q13.12.
Variant type: single nucleotide variant.
Coding change: c.3584C>G on transcript NM_003482.4 (MANE Select); coding-DNA position 3584, C replaced by G.
Protein change: p.Thr1195Arg; replaces threonine 1195 with arginine.
Molecular consequence: missense variant.
Genome position (GRCh38, 1-based): chr12:49,050,004, G>C on the plus strand (C>G on the coding strand, the complement: KMT2D is on the minus strand). VCF-style: chr12-49050004-G-C. GRCh37 (hg19) VCF-style: chr12-49443787-G-C.
Other names: short protein forms T1195R.
Identifiers: ClinVar variation 1311294 (VCV001311294.2), dbSNP rs1267389918, ClinGen allele CA384656365.

ClinVar aggregate classification (germline): Uncertain significance (1 of 4 stars; one submission).

Submission:

GeneDx
Classification: Uncertain significance. Last evaluated: 2019-12-19. Review status: criteria provided, single submitter. Criteria: GeneDx Variant Classification Process June 2021. Collection method: clinical testing. Allele origin: germline. Affected: yes.
Comment: Not observed in large population cohorts (Lek et al., 2016); In silico analysis, which includes protein predictors and evolutionary conservation, supports that this variant does not alter protein structure/function; Has not been previously published as pathogenic or benign to our knowledge